The following is an entry in ClinVar:

NM_000492.4(CFTR):c.4062G>A (p.Met1354Ile)

Gene: CFTR (CF transmembrane conductance regulator; plus strand). Cytogenetic location: 7q31.2.
Variant type: single nucleotide variant.
Coding change: c.4062G>A on transcript NM_000492.4 (MANE Select); coding-DNA position 4062, G replaced by A.
Protein change: p.Met1354Ile; replaces methionine 1354 with isoleucine.
Molecular consequence: missense variant.
Genome position (GRCh38, 1-based): chr7:117,664,786, G>A. VCF-style: chr7-117664786-G-A. GRCh37 (hg19) VCF-style: chr7-117304840-G-A.
Other names: short protein forms M1354I.
Identifiers: ClinVar variation 4762744 (VCV004762744.1).

ClinVar aggregate classification (germline): Uncertain significance (1 of 4 stars; one submission).

Conditions:
Cystic fibrosis (CF). Also called: MUCOVISCIDOSIS. Identifiers: Orphanet 586, MedGen C0010674, MONDO:0009061, OMIM 219700. Disease mechanism: loss of function.

Submission:

Labcorp Genetics (formerly Invitae), Labcorp
Classification: Uncertain significance for Cystic fibrosis. Last evaluated: 2025-03-05. Review status: criteria provided, single submitter. Criteria: Invitae Variant Classification Sherloc (09022015). Collection method: clinical testing. Allele origin: germline.
Comment: This sequence change replaces methionine, which is neutral and non-polar, with isoleucine, which is neutral and non-polar, at codon 1354 of the CFTR protein (p.Met1354Ile). This variant is present in population databases (rs779937212, gnomAD 0.01%). This variant has not been reported in the literature in individuals affected with CFTR-related conditions. Invitae Evidence Modeling of protein sequence and biophysical properties (such as structural, functional, and spatial information, amino acid conservation, physicochemical variation, residue mobility, and thermodynamic stability) indicates that this missense variant is not expected to disrupt CFTR protein function with a negative predictive value of 80%. In summary, the available evidence is currently insufficient to determine the role of this variant in disease. Therefore, it has been classified as a Variant of Uncertain Significance.